The following is an entry in ClinVar:

NM_000081.4(LYST):c.4100A>G (p.Glu1367Gly)

Gene: LYST (lysosomal trafficking regulator; minus strand). Cytogenetic location: 1q42.3.
Variant type: single nucleotide variant.
Coding change: c.4100A>G on transcript NM_000081.4 (MANE Select); coding-DNA position 4100, A replaced by G.
Protein change: p.Glu1367Gly; replaces glutamic acid 1367 with glycine.
Molecular consequence: missense variant.
Genome position (GRCh38, 1-based): chr1:235,793,519, T>C on the plus strand (A>G on the coding strand, the complement: LYST is on the minus strand). VCF-style: chr1-235793519-T-C. GRCh37 (hg19) VCF-style: chr1-235956819-T-C.
Other names: c.4100A>G, p.Glu1367Gly (NM_001301365.1); short protein forms E1367G.
Identifiers: ClinVar variation 2802625 (VCV002802625.3), dbSNP rs1445020313, ClinGen allele CA344960642.

ClinVar aggregate classification (germline): Uncertain significance (1 of 4 stars; one submission).

Conditions:
Chédiak-Higashi syndrome (CHS). Also called: Chediak-Higashi Syndrome. Identifiers: Orphanet 167, MedGen C0007965, MONDO:0008963, OMIM 214500.

Allele frequency attached by ClinVar (database versions not stated): TOPMed below 0.00001; gnomAD 0.00001.

Submission:

Labcorp Genetics (formerly Invitae), Labcorp
Classification: Uncertain significance for Chédiak-Higashi syndrome. Last evaluated: 2024-04-25. Review status: criteria provided, single submitter. Criteria: Invitae Variant Classification Sherloc (09022015). Collection method: clinical testing. Allele origin: germline.
Comment: This sequence change replaces glutamic acid, which is acidic and polar, with glycine, which is neutral and non-polar, at codon 1367 of the LYST protein (p.Glu1367Gly). This variant is not present in population databases (gnomAD no frequency). This variant has not been reported in the literature in individuals affected with LYST-related conditions. Advanced modeling of protein sequence and biophysical properties (such as structural, functional, and spatial information, amino acid conservation, physicochemical variation, residue mobility, and thermodynamic stability) performed at Invitae indicates that this missense variant is not expected to disrupt LYST protein function with a negative predictive value of 80%. In summary, the available evidence is currently insufficient to determine the role of this variant in disease. Therefore, it has been classified as a Variant of Uncertain Significance.